The following is an entry in ClinVar:

ClinVar aggregate classification (germline): Uncertain significance (1 of 4 stars; one submission).

Submission:

GeneDx
Classification: Uncertain significance. Last evaluated: 2024-03-19. Review status: criteria provided, single submitter. Criteria: GeneDx Variant Classification Process June 2021. Collection method: clinical testing. Allele origin: germline. Affected: yes.
Comment: Not observed at significant frequency in large population cohorts (gnomAD); In silico analysis supports that this missense variant has a deleterious effect on protein structure/function; Has not been previously published as pathogenic or benign to our knowledge

NM_016284.5(CNOT1):c.342G>C (p.Gln114His)

Gene: CNOT1 (CCR4-NOT transcription complex subunit 1; minus strand). Cytogenetic location: 16q21.
Variant type: single nucleotide variant.
Coding change: c.342G>C on transcript NM_016284.5 (MANE Select); coding-DNA position 342, G replaced by C.
Protein change: p.Gln114His; replaces glutamine 114 with histidine.
Molecular consequence: missense variant. On other transcripts: non-coding transcript variant (1).
Genome position (GRCh38, 1-based): chr16:58,587,381, C>G on the plus strand (G>C on the coding strand, the complement: CNOT1 is on the minus strand). VCF-style: chr16-58587381-C-G. GRCh37 (hg19) VCF-style: chr16-58621285-C-G.
Other names: c.342G>C, p.Gln114His (NM_001265612.2, NM_206999.3); short protein forms Q114H.
Identifiers: ClinVar variation 3371200 (VCV003371200.1).
Genomic context (GRCh38, chr16:58,587,381, plus strand): 5'-CATCTCTTTTCATAAATCACTCACCTCTTGTACTTTGCTTAATTTGAGCACTTTACTCAG[C>G]TGGGCAAATAAGTGGGGTGCAGGCTTTAAACTCTGAAACAAACCAAATTTTAGTTTAAAA-3'
Protein context (NP_057368.3, residues 104-124): SLKPAPHLFA[Gln114His]LSKVLKLSKV